The following is an entry in ClinVar:

ClinVar aggregate classification (germline): Pathogenic (1 of 4 stars; one submission).

Conditions:
Neurofibromatosis, type 1 (NF1). Also called: VON RECKLINGHAUSEN DISEASE; Neurofibromatosis, type I; NEUROFIBROMATOSIS, TYPE I, SOMATIC; Peripheral type neurofibromatosis. Identifiers: Orphanet 636, MedGen C0027831, MONDO:0018975, OMIM 162200. Disease mechanism: loss of function.

Submission:

Labcorp Genetics (formerly Invitae), Labcorp
Classification: Pathogenic for Neurofibromatosis, type 1. Last evaluated: 2018-11-12. Review status: criteria provided, single submitter. Criteria: Invitae Variant Classification Sherloc (09022015). Collection method: clinical testing. Allele origin: germline.
Comment: For these reasons, this variant has been classified as Pathogenic. Loss-of-function variants in NF1 are known to be pathogenic (PMID: 10712197, 23913538). This variant has not been reported in the literature in individuals with NF1-related disease. This variant is not present in population databases (ExAC no frequency). This sequence change creates a premature translational stop signal (p.Gln1596Lysfs*8) in the NF1 gene. It is expected to result in an absent or disrupted protein product.

Literature cited by the submitters: PubMed 10712197; PubMed 23913538.

NM_001042492.3(NF1):c.4849_4853delinsATATCAG (p.Gln1617fs)

Gene: NF1 (neurofibromin 1; plus strand). Cytogenetic location: 17q11.2.
Variant type: Indel.
Coding change: c.4849_4853delinsATATCAG on transcript NM_001042492.3 (MANE Select); coding-DNA positions 4849 to 4853, CAAAT replaced by ATATCAG.
Protein change: p.Gln1617fs; shifts the reading frame from glutamine 1617.
Molecular consequence: frameshift variant.
Genome position (GRCh38, 1-based): chr17:31,325,833-31,325,837, CAAAT replaced by ATATCAG. VCF-style: chr17-31325833-CAAAT-ATATCAG. GRCh37 (hg19) VCF-style: chr17-29652851-CAAAT-ATATCAG.
Other names: c.4786_4790delCAAATinsATATCAG, p.Gln1596Ilefs (NM_000267.4); short protein forms Q1596fs, Q1617fs.
Identifiers: ClinVar variation 651932 (VCV000651932.5), dbSNP rs1597829519, ClinGen allele CA915949784.